The following is an entry in ClinVar:

ClinVar aggregate classification (germline): Pathogenic/Likely pathogenic. Review status: criteria provided, multiple submitters, no conflicts (2 of 4 stars). 2 submissions from 2 submitters: Pathogenic (1); Likely pathogenic (1). Last evaluated 2023-06-01.

Conditions:
Developmental and epileptic encephalopathy, 43 (DEE43). Also called: Epileptic encephalopathy, early infantile, 43. Identifiers: MedGen C4310712, MONDO:0014921, OMIM 617113.

Submissions (2):

GeneDx
Classification: Pathogenic. Last evaluated: 2023-06-01. Review status: criteria provided, single submitter. Criteria: GeneDx Variant Classification Process June 2021. Collection method: clinical testing. Allele origin: germline. Affected: yes.
Comment: Published functional studies demonstrate a damaging effect and show that the coupling junction uncouples during activation and causes gain of function (Hernandez et al., 2017); Not observed at significant frequency in large population cohorts (gnomAD); In silico analysis supports that this missense variant has a deleterious effect on protein structure/function; This variant is associated with the following publications: (PMID: 28053010, 28488083, 31435640, 29162865, 34698933, 26544041)

Revvity Omics, Revvity
Classification: Likely pathogenic for Developmental and epileptic encephalopathy, 43. Last evaluated: 2021-05-14. Review status: criteria provided, single submitter. Criteria: ACMG Guidelines, 2015. Collection method: clinical testing. Allele origin: germline.

NM_000814.6(GABRB3):c.914C>T (p.Ala305Val)

Gene: GABRB3 (gamma-aminobutyric acid type A receptor subunit beta3; minus strand). Cytogenetic location: 15q12.
Variant type: single nucleotide variant.
Coding change: c.914C>T on transcript NM_000814.6 (MANE Select); coding-DNA position 914, C replaced by T.
Protein change: p.Ala305Val; replaces alanine 305 with valine.
Molecular consequence: missense variant.
Genome position (GRCh38, 1-based): chr15:26,561,098, G>A on the plus strand (C>T on the coding strand, the complement: GABRB3 is on the minus strand). VCF-style: chr15-26561098-G-A. GRCh37 (hg19) VCF-style: chr15-26806245-G-A.
Other names: c.659C>T, p.Ala220Val (NM_001191320.2, NM_001278631.2); c.701C>T, p.Ala234Val (NM_001191321.3); c.914C>T, p.Ala305Val (NM_021912.5); c.914C>T (NM_000814.5); short protein forms A220V, A234V, A305V.
Identifiers: ClinVar variation 1324443 (VCV001324443.5), dbSNP rs1555401425, ClinGen allele CA391462104.